The following is an entry in ClinVar:

ClinVar aggregate classification (germline): Conflicting classifications of pathogenicity. Review status: criteria provided, conflicting classifications (1 of 4 stars). 2 submissions from 2 submitters: Uncertain significance (1); Likely benign (1). Last evaluated 2024-11-01.

Conditions:
Inborn genetic diseases. Identifiers: MedGen C0950123, MeSH D030342.

gnomAD v4.1: 8 of 1,613,804 alleles (0.0005%); highest among the groups gnomAD compares: Non-Finnish European, 0.00068%; no homozygotes.

Submissions (2):

CeGaT Center for Human Genetics Tuebingen
Classification: Uncertain significance. Last evaluated: 2024-11-01. Review status: criteria provided, single submitter. Criteria: CeGaT Center For Human Genetics Tuebingen Variant Classification Criteria Version 2. Collection method: clinical testing. Allele origin: germline. Affected: yes. Observed: 1 variant allele.
Comment: MIA3: PM2

Ambry Genetics
Classification: Likely benign for Inborn genetic diseases. Last evaluated: 2022-10-25. Review status: criteria provided, single submitter. Criteria: Ambry Variant Classification Scheme 2023. Collection method: clinical testing. Allele origin: germline.

NM_198551.4(MIA3):c.5501G>A (p.Gly1834Glu)

Gene: MIA3 (MIA SH3 domain ER export factor 3; plus strand). Cytogenetic location: 1q41.
Variant type: single nucleotide variant.
Coding change: c.5501G>A on transcript NM_198551.4 (MANE Select); coding-DNA position 5501, G replaced by A.
Protein change: p.Gly1834Glu; replaces glycine 1834 with glutamic acid.
Molecular consequence: missense variant.
Genome position (GRCh38, 1-based): chr1:222,665,396, G>A. VCF-style: chr1-222665396-G-A. GRCh37 (hg19) VCF-style: chr1-222838738-G-A.
Other names: c.2135G>A, p.Gly712Glu (NM_001300867.2); c.5573G>A, p.Gly1858Glu (NM_001324062.2); c.5324G>A, p.Gly1775Glu (NM_001324063.2); c.5009G>A, p.Gly1670Glu (NM_001324064.2); c.2207G>A, p.Gly736Glu (NM_001324065.2); short protein forms G1670E, G1775E, G1834E, G1858E, G712E, G736E.
Identifiers: ClinVar variation 2318772 (VCV002318772.16), dbSNP rs748773142, ClinGen allele CA344674759.
Genomic context (GRCh38, chr1:222,665,396, plus strand): 5'-TAAGAGAATTTGCACCAGGCGTTCCACCAGGAAGACGGGACCTGCCTCTCCACCCTCGGG[G>A]ATTTTTACCTGGACACGCACCATTTAGACCTTTAGGTTCACTTGGCCCAAGAGAGTACTT-3'
Protein context (NP_940953.2, residues 1824-1844): GRRDLPLHPR[Gly1834Glu]FLPGHAPFRP